The following is an entry in ClinVar:

Single allele

Gene: DMD (dystrophin; minus strand). Cytogenetic location: Xp21.1.
Variant type: Deletion.
Identifiers: ClinVar variation 1256420 (VCV001256420.1).

ClinVar aggregate classification (germline): Pathogenic (1 of 4 stars; one submission).

Submission:

Athena Diagnostics
Classification: Pathogenic. Last evaluated: 2020-10-27. Review status: criteria provided, single submitter. Criteria: Athena Diagnostics criteria. Collection method: clinical testing. Allele origin: unknown.
Comment: This variant is expected to result in the loss of a functional protein. This variant has not been reported in large, multi-ethnic general populations. Out-of-frame deletions such as this one are typically associated with Duchenne muscular dystrophy (DMD). Yet, deletions of exons 3-7 have been reported in patients with DMD, Becker muscular dystrophy (BMD), and intermediate dystrophinopathies.

Literature cited by the submitters: PubMed 24099565; PubMed 22510846; PubMed 22090376; PubMed 16566881; PubMed 16030524; PubMed 15723292; PubMed 7825572; PubMed 2063877; PubMed 2261642; PubMed 1496988; PubMed 8317478; PubMed 8353493; PubMed 7853367; PubMed 30564623; PubMed 20847377; PubMed 2325103; PubMed 16049303; PubMed 9048922; PubMed 17253928; PubMed 9544849; PubMed 29604111; PubMed 26081009; PubMed 2810338; PubMed 2927671; PubMed 10797409; PubMed 20036901; PubMed 15845029; PubMed 1918370; PubMed 1864612; PubMed 7897627; PubMed 2613240; PubMed 18663755; PubMed 1483053; PubMed 2585468; PubMed 16439068; PubMed 18752307; PubMed 8429320; PubMed 19937601.